The following is an entry in ClinVar:

NM_133433.4(NIPBL):c.7830G>C (p.Val2610=)

Gene: NIPBL (NIPBL cohesin loading factor; plus strand). Cytogenetic location: 5p13.2.
Variant type: single nucleotide variant.
Coding change: c.7830G>C on transcript NM_133433.4 (MANE Select); coding-DNA position 7830, G replaced by C.
Protein change: p.Val2610=; no amino-acid change (valine 2610 retained).
Molecular consequence: synonymous variant.
Genome position (GRCh38, 1-based): chr5:37,060,988, G>C. VCF-style: chr5-37060988-G-C. GRCh37 (hg19) VCF-style: chr5-37061090-G-C.
Other names: c.7830G>C, p.Val2610= (NM_015384.5).
Identifiers: ClinVar variation 159238 (VCV000159238.57), dbSNP rs115668015, ClinGen allele CA172758.

ClinVar aggregate classification (germline): Benign/Likely benign. Review status: criteria provided, multiple submitters, no conflicts (2 of 4 stars). 10 submissions from 10 submitters: Benign (8); Likely benign (2). Last evaluated 2026-02-01.

Conditions:
Inborn genetic diseases. Identifiers: MedGen C0950123, MeSH D030342.
Cornelia de Lange syndrome 1 (CDLS1). Also called: TYPUS DEGENERATIVUS AMSTELODAMENSIS; NIPBL-Related Cornelia de Lange Syndrome; Brachmann de Lange syndrome. Identifiers: Orphanet 199, MedGen C4551851, MONDO:0007387, OMIM 122470.

Allele frequency attached by ClinVar (database versions not stated): 1000 Genomes Project 0.00080; 1000 Genomes Project 30x 0.00094; TOPMed 0.00137; ESP Exome Variant Server 0.00177; gnomAD 0.00183 and 0.00186; gnomAD exomes 0.00185 and 0.00251; ExAC 0.00210.
gnomAD v4.1: 3,902 of 1,614,042 alleles (0.24%); highest among the groups gnomAD compares: Non-Finnish European, 0.29%; 12 homozygotes.

Submissions (10):

CeGaT Center for Human Genetics Tuebingen
Classification: Likely benign. Last evaluated: 2026-02-01. Review status: criteria provided, single submitter. Criteria: CeGaT Center For Human Genetics Tuebingen Variant Classification Criteria Version 2. Collection method: clinical testing. Allele origin: germline. Affected: yes. Observed: 18 variant alleles.
Comment: NIPBL: BP4, BS1

Labcorp Genetics (formerly Invitae), Labcorp
Classification: Benign for Cornelia de Lange syndrome 1. Last evaluated: 2026-01-19. Review status: criteria provided, single submitter. Criteria: Invitae Variant Classification Sherloc (09022015). Collection method: clinical testing. Allele origin: germline.

Blueprint Genetics
Classification: Benign. Last evaluated: 2024-11-25. Review status: criteria provided, single submitter. Criteria: ACMG Guidelines, 2015. Collection method: clinical testing. Allele origin: germline.

Genome-Nilou Lab
Classification: Benign for Cornelia de Lange syndrome 1. Last evaluated: 2021-07-15. Review status: criteria provided, single submitter. Criteria: ACMG Guidelines, 2015. Collection method: clinical testing. Allele origin: germline. Affected: no.

Illumina Laboratory Services, Illumina
Classification: Benign for Cornelia de Lange syndrome 1. Last evaluated: 2018-01-13. Review status: criteria provided, single submitter. Criteria: ICSL Variant Classification Criteria 13 December 2019. Collection method: clinical testing. Allele origin: germline.
Comment: This variant was observed in the ICSL laboratory as part of a predisposition screen in an ostensibly healthy population. It had not been previously curated by ICSL or reported in the Human Gene Mutation Database (HGMD: prior to June 1st, 2018), and was therefore a candidate for classification through an automated scoring system. Utilizing variant allele frequency, disease prevalence and penetrance estimates, and inheritance mode, an automated score was calculated to assess if this variant is too frequent to cause the disease. Based on the score and internal cut-off values, a variant classified as benign is not then subjected to further curation. The score for this variant resulted in a classification of benign for this disease.

Athena Diagnostics
Classification: Benign. Last evaluated: 2017-03-21. Review status: criteria provided, single submitter. Criteria: Athena Diagnostics Criteria. Collection method: clinical testing. Allele origin: germline.

GeneDx
Classification: Benign. Last evaluated: 2016-04-19. Review status: criteria provided, single submitter. Criteria: GeneDx Variant Classification (06012015). Collection method: clinical testing. Allele origin: germline. Affected: yes.
Comment: This variant is considered likely benign or benign based on one or more of the following criteria: it is a conservative change, it occurs at a poorly conserved position in the protein, it is predicted to be benign by multiple in silico algorithms, and/or has population frequency not consistent with disease.

Ambry Genetics
Classification: Likely benign for Inborn genetic diseases. Last evaluated: 2016-04-15. Review status: criteria provided, single submitter. Criteria: Ambry Variant Classification Scheme 2023. Collection method: clinical testing. Allele origin: germline.

Eurofins Ntd Llc (ga)
Classification: Benign. Last evaluated: 2015-07-22. Review status: criteria provided, single submitter. Criteria: EGL Classification Definitions 2015. Collection method: clinical testing. Allele origin: germline. Observed: 1 variant allele, 1 heterozygote.

Genetic Services Laboratory, University of Chicago
Classification: Benign. Last evaluated: 2013-02-08. Review status: criteria provided, single submitter. Criteria: ACMG Guidelines, 2007. Collection method: clinical testing. Allele origin: germline. Inheritance: Autosomal dominant inheritance.